The following is an entry in ClinVar:

NM_001048174.2(MUTYH):c.1240-8T>A

Gene: MUTYH (mutY DNA glycosylase; minus strand). Cytogenetic location: 1p34.1.
Variant type: single nucleotide variant.
Coding change: c.1240-8T>A on transcript NM_001048174.2 (MANE Select); 8 bases into the intron before coding-DNA position 1240, T replaced by A.
Molecular consequence: intron variant.
Genome position (GRCh38, 1-based): chr1:45,331,342, A>T on the plus strand (T>A on the coding strand, the complement: MUTYH is on the minus strand). VCF-style: chr1-45331342-A-T. GRCh37 (hg19) VCF-style: chr1-45797014-A-T.
Other names: c.1261-8T>A (NM_001407087.1); c.1240-8T>A (NM_001407089.1, NM_001407072.1, NM_001407073.1 and 6 more transcripts); c.895-8T>A (NM_001350651.2, NM_001350650.2, NM_001407082.1); c.964-8T>A (NM_001293192.2, NM_001293196.2, NM_001407091.1); c.1285-8T>A (NM_001293190.2); c.1273-8T>A (NM_001407069.1, NM_001407077.1, NM_001293191.2); c.1315-8T>A (NM_012222.3); c.1324-8T>A (NM_001128425.2); and 5 more.
Identifiers: ClinVar variation 4714316 (VCV004714316.1).
Genomic context (GRCh38, chr1:45,331,342, plus strand): 5'-GCCAGCCCATATACTTGATATGTCAGCTTGATGTGAGAGAAGGTGTGGACAACCTGGAGG[A>T]AGGGTCAAGGGGTTCAAATAGGCCTGTGGATATAGCCTCAAAAGCCAACATCCTTGGCTA-3'

ClinVar aggregate classification (germline): Uncertain significance (1 of 4 stars; one submission).

Conditions:
Familial adenomatous polyposis 2. Also called: FAP type 2; COLORECTAL ADENOMATOUS POLYPOSIS, AUTOSOMAL RECESSIVE; ADENOMAS, MULTIPLE COLORECTAL, AUTOSOMAL RECESSIVE; MYH-associated polyposis; MUTYH Polyposis; Adenomas, multiple colorectal. Identifiers: Orphanet 220460, Orphanet 247798, MedGen C3272841, MONDO:0012041, OMIM 608456.

Submission:

Labcorp Genetics (formerly Invitae), Labcorp
Classification: Uncertain significance for Familial adenomatous polyposis 2. Last evaluated: 2025-03-04. Review status: criteria provided, single submitter. Criteria: Invitae Variant Classification Sherloc (09022015). Collection method: clinical testing. Allele origin: germline.
Comment: This sequence change falls in intron 13 of the MUTYH gene. It does not directly change the encoded amino acid sequence of the MUTYH protein. This variant is not present in population databases (gnomAD no frequency). This variant has not been reported in the literature in individuals affected with MUTYH-related conditions. Algorithms developed to predict the effect of sequence changes on RNA splicing suggest that this variant may disrupt the consensus splice site. In summary, the available evidence is currently insufficient to determine the role of this variant in disease. Therefore, it has been classified as a Variant of Uncertain Significance.